The following is an entry in ClinVar:

ClinVar aggregate classification (germline): Benign/Likely benign. Review status: criteria provided, multiple submitters, no conflicts (2 of 4 stars). 2 submissions from 2 submitters: Benign (1); Likely benign (1). Last evaluated 2025-01-06.

Allele frequency attached by ClinVar (database versions not stated): 1000 Genomes Project 30x 0.00047; TOPMed 0.00018; 1000 Genomes Project 0.00040.
gnomAD v4.1: 91 of 1,614,196 alleles (0.0056%); highest among the groups gnomAD compares: East Asian, 0.12%; no homozygotes.

Submissions (2):

Mayo Clinic Laboratories, Mayo Clinic
Classification: Benign. Last evaluated: 2025-01-06. Review status: criteria provided, single submitter. Criteria: ACMG Guidelines, 2015. Collection method: clinical testing. Allele origin: germline. Observed: 1 variant allele.
Comment: BS1, BS2

Labcorp Genetics (formerly Invitae), Labcorp
Classification: Likely benign. Last evaluated: 2024-12-17. Review status: criteria provided, single submitter. Criteria: Invitae Variant Classification Sherloc (09022015). Collection method: clinical testing. Allele origin: germline.

NM_000097.7(CPOX):c.651A>T (p.Glu217Asp)

Gene: CPOX (coproporphyrinogen oxidase; minus strand). Cytogenetic location: 3q11.2.
Variant type: single nucleotide variant.
Coding change: c.651A>T on transcript NM_000097.7 (MANE Select); coding-DNA position 651, A replaced by T.
Protein change: p.Glu217Asp; replaces glutamic acid 217 with aspartic acid.
Molecular consequence: missense variant.
Genome position (GRCh38, 1-based): chr3:98,591,061, T>A on the plus strand (A>T on the coding strand, the complement: CPOX is on the minus strand). VCF-style: chr3-98591061-T-A. GRCh37 (hg19) VCF-style: chr3-98309905-T-A.
Other names: p.Glu217Asp; short protein forms E217D.
Identifiers: ClinVar variation 737421 (VCV000737421.10), dbSNP rs138479596, ClinGen allele CA2511655.